The following is an entry in ClinVar:

ClinVar aggregate classification (germline): Uncertain significance. Review status: criteria provided, multiple submitters, no conflicts (2 of 4 stars). 2 submissions from 2 submitters: Uncertain significance (2). Last evaluated 2023-06-08.

Conditions:
Capillary malformation-arteriovenous malformation syndrome. Also called: Capillary malformation-arteriovenous malformation. Identifiers: Orphanet 137667, MedGen C1842180, MONDO:0012016.

Allele frequency attached by ClinVar (database versions not stated): ExAC below 0.00001; gnomAD 0.00001; gnomAD exomes 0.00001; TOPMed 0.00001.
gnomAD v4.1: 24 of 1,605,876 alleles (0.0015%); highest among the groups gnomAD compares: East Asian, 0.034%; no homozygotes.

Submissions (2):

Blueprint Genetics
Classification: Uncertain significance. Last evaluated: 2023-06-08. Review status: criteria provided, single submitter. Criteria: ACMG Guidelines, 2015. Collection method: clinical testing. Allele origin: germline.

Labcorp Genetics (formerly Invitae), Labcorp
Classification: Uncertain significance for Capillary malformation-arteriovenous malformation syndrome. Last evaluated: 2022-09-15. Review status: criteria provided, single submitter. Criteria: Invitae Variant Classification Sherloc (09022015). Collection method: clinical testing. Allele origin: germline.
Comment: In summary, the available evidence is currently insufficient to determine the role of this variant in disease. Therefore, it has been classified as a Variant of Uncertain Significance. Algorithms developed to predict the effect of sequence changes on RNA splicing suggest that this variant may create or strengthen a splice site. Algorithms developed to predict the effect of missense changes on protein structure and function output the following: SIFT: "Tolerated"; PolyPhen-2: "Benign"; Align-GVGD: "Class C0". The arginine amino acid residue is found in multiple mammalian species, which suggests that this missense change does not adversely affect protein function. ClinVar contains an entry for this variant (Variation ID: 961583). This missense change has been observed in individual(s) with a brain arteriovenous malformation (PMID: 30120215). This variant is present in population databases (rs780044015, gnomAD 0.006%). This sequence change replaces lysine, which is basic and polar, with arginine, which is basic and polar, at codon 37 of the RASA1 protein (p.Lys37Arg).

Literature cited by the submitters: PubMed 30120215 (cited by Labcorp Genetics (formerly Invitae), Labcorp).

NM_002890.3(RASA1):c.110A>G (p.Lys37Arg)

Gene: RASA1 (RAS p21 protein activator 1; plus strand). Cytogenetic location: 5q14.3.
Variant type: single nucleotide variant.
Coding change: c.110A>G on transcript NM_002890.3 (MANE Select); coding-DNA position 110, A replaced by G.
Protein change: p.Lys37Arg; replaces lysine 37 with arginine.
Molecular consequence: missense variant.
Genome position (GRCh38, 1-based): chr5:87,268,561, A>G. VCF-style: chr5-87268561-A-G. GRCh37 (hg19) VCF-style: chr5-86564378-A-G.
Other names: short protein forms K37R.
Identifiers: ClinVar variation 961583 (VCV000961583.11), dbSNP rs780044015, ClinGen allele CA3335327.
Genomic context (GRCh38, chr5:87,268,561, plus strand): 5'-GAGCTGGAGGAGGCGGCGCGGCAGCGGGCTCCAGTGCCTATCCCGCAGTGTGTCGGGTGA[A>G]GATACCCGCGGCCCTGCCTGTGGCAGCCGCCCCCTATCCTGGGCTGGTGGAGACCGGAGT-3'
Protein context (NP_002881.1, residues 27-47): SSAYPAVCRV[Lys37Arg]IPAALPVAAA